The following is an entry in ClinVar:

NM_000092.5(COL4A4):c.361G>A (p.Asp121Asn)

Gene: COL4A4 (collagen type IV alpha 4 chain; minus strand). Cytogenetic location: 2q36.3.
Variant type: single nucleotide variant.
Coding change: c.361G>A on transcript NM_000092.5 (MANE Select); coding-DNA position 361, G replaced by A.
Protein change: p.Asp121Asn; replaces aspartic acid 121 with asparagine.
Molecular consequence: missense variant.
Genome position (GRCh38, 1-based): chr2:227,119,906, C>T on the plus strand (G>A on the coding strand, the complement: COL4A4 is on the minus strand). VCF-style: chr2-227119906-C-T. GRCh37 (hg19) VCF-style: chr2-227984622-C-T.
Other names: short protein forms D121N.
Identifiers: ClinVar variation 2158301 (VCV002158301.4), dbSNP rs750148143, ClinGen allele CA2145691.

ClinVar aggregate classification (germline): Uncertain significance. Review status: criteria provided, multiple submitters, no conflicts (2 of 4 stars). 2 submissions from 2 submitters: Uncertain significance (2). Last evaluated 2024-10-24.

Conditions:
Autosomal recessive Alport syndrome (ATS2). Also called: COL4A4 Alport Syndrome and Thin Basement Membrane Nephropathy; COL4A3-Related Nephropathy; Alport syndrome type 2; ALPORT SYNDROME 2, AUTOSOMAL RECESSIVE. Identifiers: Orphanet 63, Orphanet 88919, MedGen C4746745, MONDO:0008762, OMIM 203780.
Hematuria, benign familial, 1 (BFH1). Also called: THIN MEMBRANE NEPHROPATHY. Identifiers: MedGen CN376803, MONDO:0007709, OMIM 141200.

Allele frequency attached by ClinVar (database versions not stated): gnomAD exomes 0.00001; ExAC 0.00004.
gnomAD v4.1: 17 of 1,587,806 alleles (0.0011%); highest among the groups gnomAD compares: Non-Finnish European, 0.0015%; no homozygotes.

Submissions (2):

Labcorp Genetics (formerly Invitae), Labcorp
Classification: Uncertain significance. Last evaluated: 2024-10-24. Review status: criteria provided, single submitter. Criteria: Invitae Variant Classification Sherloc (09022015). Collection method: clinical testing. Allele origin: germline.
Comment: This sequence change replaces aspartic acid, which is acidic and polar, with asparagine, which is neutral and polar, at codon 121 of the COL4A4 protein (p.Asp121Asn). This variant is present in population databases (rs750148143, gnomAD 0.004%). This variant has not been reported in the literature in individuals affected with COL4A4-related conditions. ClinVar contains an entry for this variant (Variation ID: 2158301). Invitae Evidence Modeling of protein sequence and biophysical properties (such as structural, functional, and spatial information, amino acid conservation, physicochemical variation, residue mobility, and thermodynamic stability) indicates that this missense variant is not expected to disrupt COL4A4 protein function with a negative predictive value of 95%. In summary, the available evidence is currently insufficient to determine the role of this variant in disease. Therefore, it has been classified as a Variant of Uncertain Significance.

Fulgent Genetics
Classification: Uncertain significance for Hematuria, benign familial, 1; Autosomal recessive Alport syndrome. Last evaluated: 2024-06-05. Review status: criteria provided, single submitter. Criteria: ACMG Guidelines, 2015. Collection method: clinical testing. Allele origin: germline.